The following is an entry in ClinVar:

NM_007294.4(BRCA1):c.295T>G (p.Leu99Val)

Gene: BRCA1 (BRCA1 DNA repair associated; minus strand). Cytogenetic location: 17q21.31.
Variant type: single nucleotide variant.
Coding change: c.295T>G on transcript NM_007294.4 (MANE Select); coding-DNA position 295, T replaced by G.
Protein change: p.Leu99Val; replaces leucine 99 with valine.
Molecular consequence: missense variant. On other transcripts: non-coding transcript variant (1).
Genome position (GRCh38, 1-based): chr17:43,104,874, A>C on the plus strand (T>G on the coding strand, the complement: BRCA1 is on the minus strand). VCF-style: chr17-43104874-A-C. GRCh37 (hg19) VCF-style: chr17-41256891-A-C.
Other names: c.85T>G, p.Leu29Val (NM_001407571.1, NM_001408478.1, NM_001408479.1 and 58 more transcripts); c.295T>G, p.Leu99Val (NM_001407581.1, NM_001407582.1, NM_001407583.1 and 165 more transcripts); c.217T>G, p.Leu73Val (NM_001408409.1, NM_001408411.1, NM_001408412.1 and 21 more transcripts); c.154T>G, p.Leu52Val (NM_001408410.1, NM_001408452.1, NM_001408453.1 and 99 more transcripts); c.163T>G, p.Leu55Val (NM_001408451.1); c.-87T>G (NM_001408510.1, NM_001408512.1, NM_001407959.1 and 4 more transcripts); short protein forms L99V, L52V, L29V, L55V, L73V.
Identifiers: ClinVar variation 868365 (VCV000868365.3), dbSNP rs2054671155, ClinGen allele CA10601566.
Genomic context (GRCh38, chr17:43,104,874, plus strand): 5'-CTGAGTTTTCATGGACAGCACTTGAGTGTCATTCTTGGGATATTCAACACTTACACTCCA[A>C]ACCTGTGTCAAGCTGAAAAGCACAAATGATTTTCAATAGCTCTTCAACAAGTTGACTAAA-3'
Protein context (NP_009225.1, residues 89-109): IICAFQLDTG[Leu99Val]EYANSYNFAK

Conditions:
Breast-ovarian cancer, familial, susceptibility to, 1 (BROVCA1). Also called: BRCA1 Hereditary Breast and Ovarian Cancer; OVARIAN CANCER, SUSCEPTIBILITY TO. Identifiers: Orphanet 145, MedGen C2676676, MONDO:0011450, OMIM 604370. Disease mechanism: loss of function.

Submission:

Brotman Baty Institute, University of Washington
No classification provided (evidence only). Condition: Breast-ovarian cancer, familial 1. Review status: no classification provided. Collection method: in vitro. Allele origin: not applicable. Functional consequence: functionally_normal.
ClinVar note: "not provided" was previously submitted as the classification for the variant. However, the classification appeared to be based only on an observation of functional data so it was converted to no classification on 2025-07-30.